The following is an entry in ClinVar:

NM_005357.4(LIPE):c.2137+3G>A

Genes: LIPE (lipase E, hormone sensitive type; minus strand), LIPE-AS1 (LIPE antisense RNA 1; plus strand), LOC101930071 (uncharacterized LOC101930071; plus strand). Cytogenetic location: 19q13.2.
Variant type: single nucleotide variant.
Coding change: c.2137+3G>A on transcript NM_005357.4 (MANE Select); 3 bases into the intron after coding-DNA position 2137, G replaced by A.
Molecular consequence: intron variant.
Genome position (GRCh38, 1-based): chr19:42,407,171, C>T on the plus strand (G>A on the coding strand, the complement: LIPE is on the minus strand). VCF-style: chr19-42407171-C-T. GRCh37 (hg19) VCF-style: chr19-42911323-C-T.
Other names: c.778+3G>A (NM_001416107.1); c.1372+3G>A (NM_001416105.1, NM_001416101.1); c.1387+3G>A (NM_001416100.1); c.496+3G>A (NM_001416108.1); c.1267+3G>A (NM_001416106.1, NM_001416102.1); c.1234+3G>A (NM_001416103.1, NM_001416104.1).
Identifiers: ClinVar variation 3044374 (VCV003044374.3), dbSNP rs367633714, ClinGen allele CA9476822.

ClinVar aggregate classification (germline): Likely benign. Review status: criteria provided, single submitter (1 of 4 stars). 2 submissions from 2 submitters: Likely benign (1). 1 of the submissions does not count toward it. Last evaluated 2024-10-18.

Conditions:
LIPE-related disorder. Also called: LIPE-related condition.

Allele frequency attached by ClinVar (database versions not stated): TOPMed 0.00012; gnomAD 0.00015; ESP Exome Variant Server 0.00016; gnomAD exomes 0.00030; ExAC 0.00044.
gnomAD v4.1: 436 of 1,491,622 alleles (0.029%); highest among the groups gnomAD compares: Non-Finnish European, 0.035%; 1 homozygote.

Submissions (2):

Blueprint Genetics
Classification: Likely benign. Last evaluated: 2024-10-18. Review status: criteria provided, single submitter. Criteria: ACMG Guidelines, 2015. Collection method: clinical testing. Allele origin: germline.

PreventionGenetics, part of Exact Sciences
Classification: Likely benign for LIPE-related condition. Last evaluated: 2021-07-28. Review status: no assertion criteria provided. Collection method: clinical testing. Allele origin: germline. Not counted in ClinVar's aggregate classification.
Comment: This variant is classified as likely benign based on ACMG/AMP sequence variant interpretation guidelines (Richards et al. 2015 PMID: 25741868, with internal and published modifications).